The following is an entry in ClinVar:

ClinVar aggregate classification (germline): Uncertain significance (1 of 4 stars; one submission).

Submission:

GeneDx
Classification: Uncertain significance. Last evaluated: 2025-11-15. Review status: criteria provided, single submitter. Criteria: GeneDx Variant Classification Process June 2021. Collection method: clinical testing. Allele origin: germline.
Comment: In silico analysis is inconclusive as to whether the variant alters gene splicing. In the absence of RNA/functional studies, the actual effect of this sequence change is unknown.; Has not been previously published as pathogenic or benign to our knowledge; Located in a regulatory region; in the absence of functional studies, the actual effect of this sequence change is unknown

NM_001195226.2(PRODH):c.-52+20GCGGG[6]

Genes: HSERVPRODH (human-specific endogenous retroviral insert PRODH enhancer; plus strand), PRODH (proline dehydrogenase 1; minus strand). Cytogenetic location: 22q11.21.
Variant type: Microsatellite.
Coding change: c.-52+20GCGGG[6] on transcript NM_001195226.2; six copies in a row of the 5-base unit GCGGG starting at c.-52+20; the reference has seven copies in a row; one copy, 5 bases deleted.
Molecular consequence: intron variant.
Genome position (GRCh38, 1-based): chr22:18,936,336-18,936,340, CCCGC deleted on the plus strand (GCGGG on the coding strand, the reverse complement: PRODH is on the minus strand); deleting any 5 consecutive bases within chr22:18,936,336-18,936,370 gives the same sequence; the position shown is the placement nearest the transcript's 3' end. VCF-style (leftmost placement, unchanged base first): chr22-18936335-TCCCGC-T. GRCh37 (hg19) VCF-style: chr22-18923848-TCCCGC-T.
Identifiers: ClinVar variation 3766099 (VCV003766099.2).
Genomic context (GRCh38, chr22:18,936,335, plus strand): 5'-GCCTCAGAGCCATGGCGGGACGGCGGTACCCGCCCGGGCCGCTTAAGTGTGCGCTGTTGG[TCCCGC>T]CCCGCCCCGCCCCGCCCCGCCCCGCCCCGCTCGGTCCCAGAGGCCTCACCCTATATTCCT-3'